The following is an entry in ClinVar:

ClinVar aggregate classification (germline): Benign/Likely benign. Review status: criteria provided, multiple submitters, no conflicts (2 of 4 stars). 8 submissions from 8 submitters: Benign (1); Likely benign (4). 3 of the submissions do not count toward it. Last evaluated 2026-05-01.

Conditions:
TCF3-related disorder. Also called: TCF3-related condition.

Allele frequency attached by ClinVar (database versions not stated): 1000 Genomes Project 30x 0.00094; 1000 Genomes Project 0.00100; TOPMed 0.00182; ESP Exome Variant Server 0.00216.
gnomAD v4.1: 4,258 of 1,601,002 alleles (0.27%); highest among the groups gnomAD compares: Non-Finnish European, 0.34%; 7 homozygotes.

Submissions (8):

CeGaT Center for Human Genetics Tuebingen
Classification: Likely benign. Last evaluated: 2026-05-01. Review status: criteria provided, single submitter. Criteria: CeGaT Center For Human Genetics Tuebingen Variant Classification Criteria Version 2. Collection method: clinical testing. Allele origin: germline. Affected: yes. Observed: 6 variant alleles.
Comment: TCF3: BP4, BP7

Labcorp Genetics (formerly Invitae), Labcorp
Classification: Benign. Last evaluated: 2026-02-01. Review status: criteria provided, single submitter. Criteria: Invitae Variant Classification Sherloc (09022015). Collection method: clinical testing. Allele origin: germline.

Blueprint Genetics
Classification: Likely benign. Last evaluated: 2024-10-25. Review status: criteria provided, single submitter. Criteria: ACMG Guidelines, 2015. Collection method: clinical testing. Allele origin: germline.

ARUP Laboratories, Molecular Genetics and Genomics, ARUP Laboratories
Classification: Likely benign. Last evaluated: 2024-09-27. Review status: criteria provided, single submitter. Criteria: ARUP Molecular Germline Variant Investigation Process 2024. Collection method: clinical testing. Allele origin: germline.

Breakthrough Genomics
Classification: Likely benign. Review status: criteria provided, single submitter. Criteria: ACMG Guidelines, 2015. Collection method: not provided. Allele origin: germline. Inheritance: Autosomal recessive inheritance. Affected: yes.

PreventionGenetics, part of Exact Sciences
Classification: Likely benign for TCF3-related condition. Last evaluated: 2019-09-26. Review status: no assertion criteria provided. Collection method: clinical testing. Allele origin: germline. Not counted in ClinVar's aggregate classification.
Comment: This variant is classified as likely benign based on ACMG/AMP sequence variant interpretation guidelines (Richards et al. 2015 PMID: 25741868, with internal and published modifications).

Clinical Genetics DNA and cytogenetics Diagnostics Lab, Erasmus MC, Erasmus Medical Center
Classification: Likely benign. Review status: no assertion criteria provided. Collection method: clinical testing. Allele origin: germline. Affected: yes. Study: VKGL Data-share Consensus. Not counted in ClinVar's aggregate classification.

Genome Diagnostics Laboratory, University Medical Center Utrecht
Classification: Likely benign. Review status: no assertion criteria provided. Collection method: clinical testing. Allele origin: germline. Affected: yes. Study: VKGL Data-share Consensus. Not counted in ClinVar's aggregate classification.

NM_003200.5(TCF3):c.888C>T (p.Ala296=)

Gene: TCF3 (transcription factor 3; minus strand). Cytogenetic location: 19p13.3.
Variant type: single nucleotide variant.
Coding change: c.888C>T on transcript NM_003200.5 (MANE Select); coding-DNA position 888, C replaced by T.
Protein change: p.Ala296=; no amino-acid change (alanine 296 retained).
Molecular consequence: synonymous variant.
Genome position (GRCh38, 1-based): chr19:1,621,905, G>A on the plus strand (C>T on the coding strand, the complement: TCF3 is on the minus strand). VCF-style: chr19-1621905-G-A. GRCh37 (hg19) VCF-style: chr19-1621904-G-A.
Other names: c.888C>T, p.Ala296= (NM_001136139.4, NM_001351778.2, NM_001351779.2).
Identifiers: ClinVar variation 724921 (VCV000724921.59), dbSNP rs34203855, ClinGen allele CA9050183.